The following is an entry in ClinVar:

ClinVar aggregate classification (somatic clinical impact): Tier II - Potential (1 of 4 stars; one submission).

Conditions:
Embryonal rhabdomyosarcoma (ERMS). Also called: Botryoid rhabdomyosarcoma (type of ERMS); Spindle cell rhabdomyosarcomas (type of ERMS). Identifiers: Orphanet 99757, MedGen C0206656, MONDO:0009993, HP:0006743.

gnomAD v4.1: 1 of 1,614,086 alleles (0.000062%); no homozygotes.

Submission:

Institute for Genomic Medicine (IGM) Clinical Laboratory, Nationwide Children's Hospital
Classification: Tier II - Potential for Embryonal rhabdomyosarcoma. Assertion type: diagnostic. Clinical significance: supports diagnosis. Last evaluated: 2024-04-24. Review status: criteria provided, single submitter. Criteria: AMP/ASCO/CAP Guidelines, 2017. Collection method: clinical testing. Allele origin: somatic. Affected: yes.
Comment: Variant has Tier II (potential) clinical significance as a diagnostic inclusion criterion in embryonal rhabdomyosarcoma, based on the following evidence: 1) Documented in one or more cancer databases (e.g., St. Jude Pecan, COSMIC, CIViC, OncoKB). 2) Appears in one or more well-established professional guidelines (e.g., World Health Organization [WHO]; National Comprehensive Cancer Network [NCCN]) as providing diagnostic, prognostic, or therapeutic information. 3) Diagnostic significance based on multiple small studies (Evidence Level C; PMIDs: 24436047, 34166060, 24332040, 25768946, 19809159).

Literature cited by the submitters: PubMed 24436047; PubMed 34166060; PubMed 24332040; PubMed 25768946; PubMed 19809159.

NM_213647.3(FGFR4):c.1973C>T (p.Pro658Leu)

Gene: FGFR4 (fibroblast growth factor receptor 4; plus strand). Cytogenetic location: 5q35.2.
Variant type: single nucleotide variant.
Coding change: c.1973C>T on transcript NM_213647.3 (MANE Select); coding-DNA position 1973, C replaced by T.
Protein change: p.Pro658Leu; replaces proline 658 with leucine.
Molecular consequence: missense variant.
Genome position (GRCh38, 1-based): chr5:177,096,315, C>T. VCF-style: chr5-177096315-C-T. GRCh37 (hg19) VCF-style: chr5-176523316-C-T.
Other names: c.1769C>T, p.Pro590Leu (NM_001291980.2); c.1973C>T, p.Pro658Leu (NM_001354984.2, NM_002011.5); c.1853C>T, p.Pro618Leu (NM_022963.3); short protein forms P590L, P618L, P658L.
Identifiers: ClinVar variation 4530034 (VCV004530034.1).